The following is an entry in ClinVar:

ClinVar aggregate classification (germline): Uncertain significance (1 of 4 stars; one submission).

Conditions:
Bardet-Biedl syndrome (BBS). Identifiers: Orphanet 110, MedGen C0752166, MONDO:0015229.

Submission:

Labcorp Genetics (formerly Invitae), Labcorp
Classification: Uncertain significance for Bardet-Biedl syndrome. Last evaluated: 2021-12-18. Review status: criteria provided, single submitter. Criteria: Invitae Variant Classification Sherloc (09022015). Collection method: clinical testing. Allele origin: germline.
Comment: In summary, the available evidence is currently insufficient to determine the role of this variant in disease. Therefore, it has been classified as a Variant of Uncertain Significance. Algorithms developed to predict the effect of missense changes on protein structure and function are either unavailable or do not agree on the potential impact of this missense change (SIFT: "Tolerated"; PolyPhen-2: "Possibly Damaging"; Align-GVGD: "Class C0"). This variant has not been reported in the literature in individuals affected with TTC8-related conditions. This variant is not present in population databases (gnomAD no frequency). This sequence change replaces glutamic acid, which is acidic and polar, with glycine, which is neutral and non-polar, at codon 281 of the TTC8 protein (p.Glu281Gly).

NM_144596.4(TTC8):c.872A>G (p.Glu291Gly)

Gene: TTC8 (tetratricopeptide repeat domain 8; plus strand). Cytogenetic location: 14q31.3.
Variant type: single nucleotide variant.
Coding change: c.872A>G on transcript NM_144596.4 (MANE Select); coding-DNA position 872, A replaced by G.
Protein change: p.Glu291Gly; replaces glutamic acid 291 with glycine.
Molecular consequence: missense variant. On other transcripts: non-coding transcript variant (1).
Genome position (GRCh38, 1-based): chr14:88,861,295, A>G. VCF-style: chr14-88861295-A-G. GRCh37 (hg19) VCF-style: chr14-89327639-A-G.
Other names: c.920A>G, p.Glu307Gly (NM_001288781.1); c.278A>G, p.Glu93Gly (NM_001288782.1); c.155A>G, p.Glu52Gly (NM_001288783.1); c.842A>G, p.Glu281Gly (NM_001366535.2, NM_198309.3); c.752A>G, p.Glu251Gly (NM_001366536.2, NM_198310.3); short protein forms E291G, E93G, E251G, E307G, E52G, E281G.
Identifiers: ClinVar variation 2046595 (VCV002046595.4), dbSNP rs1460769186, ClinGen allele CA390546900.